The following is an entry in ClinVar:

ClinVar aggregate classification (germline): Benign (0 of 4 stars; one submission).

Conditions:
ADAMTS3-related disorder. Also called: ADAMTS3-related condition.

Allele frequency attached by ClinVar (database versions not stated): gnomAD exomes 0.00463; ExAC 0.01379; gnomAD 0.03766; 1000 Genomes Project 0.03994; 1000 Genomes Project 30x 0.04154; TOPMed 0.04196; ESP Exome Variant Server 0.04336.
gnomAD v4.1: 12,740 of 1,613,862 alleles (0.79%); highest among the groups gnomAD compares: African/African-American, 13%; 699 homozygotes.

Submission:

PreventionGenetics, part of Exact Sciences
Classification: Benign for ADAMTS3-related condition. Last evaluated: 2020-01-17. Review status: no assertion criteria provided. Collection method: clinical testing. Allele origin: germline.
Comment: This variant is classified as benign based on ACMG/AMP sequence variant interpretation guidelines (Richards et al. 2015 PMID: 25741868, with internal and published modifications).

NM_014243.3(ADAMTS3):c.819C>A (p.Gly273=)

Gene: ADAMTS3 (ADAM metallopeptidase with thrombospondin type 1 motif 3; minus strand). Cytogenetic location: 4q13.3.
Variant type: single nucleotide variant.
Coding change: c.819C>A on transcript NM_014243.3 (MANE Select); coding-DNA position 819, C replaced by A.
Protein change: p.Gly273=; no amino-acid change (glycine 273 retained).
Molecular consequence: synonymous variant.
Genome position (GRCh38, 1-based): chr4:72,339,536, G>T on the plus strand (C>A on the coding strand, the complement: ADAMTS3 is on the minus strand). VCF-style: chr4-72339536-G-T. GRCh37 (hg19) VCF-style: chr4-73205253-G-T.
Identifiers: ClinVar variation 3056321 (VCV003056321.2), dbSNP rs7690711, ClinGen allele CA2957143.